The following is an entry in ClinVar:

NM_001851.6(COL9A1):c.468A>T (p.Ser156=)

Gene: COL9A1 (collagen type IX alpha 1 chain; minus strand). Cytogenetic location: 6q13.
Variant type: single nucleotide variant.
Coding change: c.468A>T on transcript NM_001851.6 (MANE Select); coding-DNA position 468, A replaced by T.
Protein change: p.Ser156=; no amino-acid change (serine 156 retained).
Molecular consequence: synonymous variant.
Genome position (GRCh38, 1-based): chr6:70,294,395, T>A on the plus strand (A>T on the coding strand, the complement: COL9A1 is on the minus strand). VCF-style: chr6-70294395-T-A. GRCh37 (hg19) VCF-style: chr6-71004098-T-A.
Other names: c.468A>T, p.Ser156= (NM_001377291.1).
Identifiers: ClinVar variation 1800757 (VCV001800757.4), dbSNP rs535866098, ClinGen allele CA140824389.

ClinVar aggregate classification (germline): Conflicting classifications of pathogenicity. Review status: criteria provided, conflicting classifications (1 of 4 stars). 2 submissions from 2 submitters: Uncertain significance (1); Likely benign (1). Last evaluated 2023-11-13.

gnomAD v4.1: 2 of 1,614,128 alleles (0.00012%); highest among the groups gnomAD compares: Non-Finnish European, 0.000085%; no homozygotes.

Submissions (2):

Labcorp Genetics (formerly Invitae), Labcorp
Classification: Likely benign. Last evaluated: 2023-11-13. Review status: criteria provided, single submitter. Criteria: Invitae Variant Classification Sherloc (09022015). Collection method: clinical testing. Allele origin: germline.

GeneDx
Classification: Uncertain significance. Last evaluated: 2022-05-20. Review status: criteria provided, single submitter. Criteria: GeneDx Variant Classification Process June 2021. Collection method: clinical testing. Allele origin: germline. Affected: yes.
Comment: Not observed at significant frequency in large population cohorts (gnomAD); Has not been previously published as pathogenic or benign to our knowledge; In silico analysis suggests this variant may impact gene splicing. In the absence of RNA/functional studies, the actual effect of this sequence change is unknown.